The following is an entry in ClinVar:

NM_001365276.2(TNXB):c.4492G>A (p.Glu1498Lys)

Gene: TNXB (tenascin XB; minus strand). Cytogenetic location: 6p21.33.
Variant type: single nucleotide variant.
Coding change: c.4492G>A on transcript NM_001365276.2 (MANE Select); coding-DNA position 4492, G replaced by A.
Protein change: p.Glu1498Lys; replaces glutamic acid 1498 with lysine.
Molecular consequence: missense variant.
Genome position (GRCh38, 1-based): chr6:32,073,836, C>T on the plus strand (G>A on the coding strand, the complement: TNXB is on the minus strand). VCF-style: chr6-32073836-C-T. GRCh37 (hg19) VCF-style: chr6-32041613-C-T.
Other names: c.4492G>A, p.Glu1498Lys (NM_019105.8); short protein forms E1498K.
Identifiers: ClinVar variation 1310915 (VCV001310915.4), dbSNP rs374750804, ClinGen allele CA3734938.

ClinVar aggregate classification (germline): Uncertain significance. Review status: criteria provided, multiple submitters, no conflicts (2 of 4 stars). 2 submissions from 2 submitters: Uncertain significance (2). Last evaluated 2023-05-08.

Conditions:
Cardiovascular phenotype. Identifiers: MedGen CN230736.

Allele frequency attached by ClinVar (database versions not stated): gnomAD exomes 0.00002 and 0.00003; TOPMed 0.00002; gnomAD 0.00003; ExAC 0.00005; ESP Exome Variant Server 0.00013.
gnomAD v4.1: 31 of 1,612,406 alleles (0.0019%); highest among the groups gnomAD compares: South Asian, 0.011%; 1 homozygote.

Submissions (2):

Ambry Genetics
Classification: Uncertain significance for Cardiovascular phenotype. Last evaluated: 2023-05-08. Review status: criteria provided, single submitter. Criteria: Ambry Variant Classification Scheme 2023. Collection method: clinical testing. Allele origin: germline.
Comment: The p.E1498K variant (also known as c.4492G>A), located in coding exon 11 of the TNXB gene, results from a G to A substitution at nucleotide position 4492. The glutamic acid at codon 1498 is replaced by lysine, an amino acid with similar properties. This amino acid position is conserved. In addition, this alteration is predicted to be tolerated by in silico analysis. Since supporting evidence is limited at this time, the clinical significance of this alteration remains unclear.

GeneDx
Classification: Uncertain significance. Last evaluated: 2019-12-24. Review status: criteria provided, single submitter. Criteria: GeneDx Variant Classification Process June 2021. Collection method: clinical testing. Allele origin: germline. Affected: yes.
Comment: Has not been previously published as pathogenic or benign to our knowledge; In silico analysis, which includes protein predictors and evolutionary conservation, supports a deleterious effect